The following is an entry in ClinVar:

NM_002691.4(POLD1):c.2577C>G (p.Gly859=)

Gene: POLD1 (DNA polymerase delta 1, catalytic subunit; plus strand). Cytogenetic location: 19q13.33.
Variant type: single nucleotide variant.
Coding change: c.2577C>G on transcript NM_002691.4 (MANE Select); coding-DNA position 2577, C replaced by G.
Protein change: p.Gly859=; no amino-acid change (glycine 859 retained).
Molecular consequence: synonymous variant. On other transcripts: non-coding transcript variant (1).
Genome position (GRCh38, 1-based): chr19:50,415,450, C>G. VCF-style: chr19-50415450-C-G. GRCh37 (hg19) VCF-style: chr19-50918707-C-G.
Other names: c.2577C>G, p.Gly859= (NM_001256849.1); c.2655C>G, p.Gly885= (NM_001308632.1).
Identifiers: ClinVar variation 469274 (VCV000469274.14), dbSNP rs149366027, ClinGen allele CA508305231.

ClinVar aggregate classification (germline): Likely benign. Review status: criteria provided, multiple submitters, no conflicts (2 of 4 stars). 3 submissions from 3 submitters: Likely benign (3). Last evaluated 2025-08-07.

Conditions:
Hereditary cancer-predisposing syndrome. Also called: Neoplastic Syndromes, Hereditary; Hereditary neoplastic syndrome; Tumor predisposition; Hereditary Cancer Syndrome. Identifiers: Orphanet 140162, MedGen C0027672, MeSH D009386, MONDO:0015356.
POLD1-related polyposis and colorectal cancer syndrome (CRCS10). Also called: Colorectal cancer 10; COLORECTAL CANCER, SUSCEPTIBILITY TO, ON CHROMOSOME 19q; Colorectal cancer, susceptibility to, 10. Identifiers: Orphanet 220460, MedGen C2675481, MONDO:0012953, OMIM 612591.

gnomAD v4.1: 10 of 1,612,576 alleles (0.00062%); highest among the groups gnomAD compares: Admixed American, 0.0017%; no homozygotes.

Submissions (3):

Labcorp Genetics (formerly Invitae), Labcorp
Classification: Likely benign for POLD1-related polyposis and colorectal cancer syndrome. Last evaluated: 2025-08-07. Review status: criteria provided, single submitter. Criteria: Invitae Variant Classification Sherloc (09022015). Collection method: clinical testing. Allele origin: germline.

GeneDx
Classification: Likely benign. Last evaluated: 2017-08-24. Review status: criteria provided, single submitter. Criteria: GeneDx Variant Classification (06012015). Collection method: clinical testing. Allele origin: germline. Affected: yes.
Comment: This variant is considered likely benign or benign based on one or more of the following criteria: it is a conservative change, it occurs at a poorly conserved position in the protein, it is predicted to be benign by multiple in silico algorithms, and/or has population frequency not consistent with disease.

Ambry Genetics
Classification: Likely benign for Hereditary cancer-predisposing syndrome. Last evaluated: 2015-09-25. Review status: criteria provided, single submitter. Criteria: Ambry Variant Classification Scheme 2023. Collection method: clinical testing. Allele origin: germline.